The following is an entry in ClinVar:

ClinVar aggregate classification (germline): Uncertain significance (1 of 4 stars; one submission).

Allele frequency attached by ClinVar (database versions not stated): TOPMed below 0.00001; gnomAD 0.00001; ExAC 0.00002; gnomAD exomes 0.00003.
gnomAD v4.1: 40 of 1,613,864 alleles (0.0025%); highest among the groups gnomAD compares: East Asian, 0.0022%; no homozygotes.

Submission:

Labcorp Genetics (formerly Invitae), Labcorp
Classification: Uncertain significance. Last evaluated: 2022-07-12. Review status: criteria provided, single submitter. Criteria: Invitae Variant Classification Sherloc (09022015). Collection method: clinical testing. Allele origin: germline.
Comment: This sequence change replaces alanine, which is neutral and non-polar, with valine, which is neutral and non-polar, at codon 1599 of the SBF1 protein (p.Ala1599Val). This variant is present in population databases (rs774485881, gnomAD 0.03%). This variant has not been reported in the literature in individuals affected with SBF1-related conditions. Algorithms developed to predict the effect of missense changes on protein structure and function (SIFT, PolyPhen-2, Align-GVGD) all suggest that this variant is likely to be tolerated. Algorithms developed to predict the effect of sequence changes on RNA splicing suggest that this variant may create or strengthen a splice site. In summary, the available evidence is currently insufficient to determine the role of this variant in disease. Therefore, it has been classified as a Variant of Uncertain Significance.

NM_002972.4(SBF1):c.4796C>T (p.Ala1599Val)

Gene: SBF1 (SET binding factor 1; minus strand). Cytogenetic location: 22q13.33.
Variant type: single nucleotide variant.
Coding change: c.4796C>T on transcript NM_002972.4 (MANE Select); coding-DNA position 4796, C replaced by T.
Protein change: p.Ala1599Val; replaces alanine 1599 with valine.
Molecular consequence: missense variant.
Genome position (GRCh38, 1-based): chr22:50,454,830, G>A on the plus strand (C>T on the coding strand, the complement: SBF1 is on the minus strand). VCF-style: chr22-50454830-G-A. GRCh37 (hg19) VCF-style: chr22-50893259-G-A.
Other names: c.4721C>T, p.Ala1574Val (NM_001365819.1); c.4799C>T, p.Ala1600Val (NM_001410794.1); c.4718C>T, p.Ala1573Val (NM_001410795.1); c.4796C>T, p.Ala1599Val (NM_197971.1); short protein forms A1573V, A1600V, A1599V, A1574V.
Identifiers: ClinVar variation 1898049 (VCV001898049.2), dbSNP rs774485881, ClinGen allele CA10316133.